The following is an entry in ClinVar:

NM_002335.4(LRP5):c.4511C>T (p.Pro1504Leu)

Gene: LRP5 (LDL receptor related protein 5; plus strand). Cytogenetic location: 11q13.2.
Variant type: single nucleotide variant.
Coding change: c.4511C>T on transcript NM_002335.4 (MANE Select); coding-DNA position 4511, C replaced by T.
Protein change: p.Pro1504Leu; replaces proline 1504 with leucine.
Molecular consequence: missense variant.
Genome position (GRCh38, 1-based): chr11:68,446,458, C>T. VCF-style: chr11-68446458-C-T. GRCh37 (hg19) VCF-style: chr11-68213926-C-T.
Other names: c.2768C>T, p.Pro923Leu (NM_001291902.2); short protein forms P923L, P1504L.
Identifiers: ClinVar variation 741331 (VCV000741331.15), dbSNP rs201475647, ClinGen allele CA6150416.

ClinVar aggregate classification (germline): Conflicting classifications of pathogenicity. Review status: criteria provided, conflicting classifications (1 of 4 stars). 5 submissions from 5 submitters: Uncertain significance (1); Benign (1); Likely benign (3). Last evaluated 2025-12-20.

Conditions:
LRP5-related disorder. Also called: LRP5-related condition.

Allele frequency attached by ClinVar (database versions not stated): TOPMed 0.00017; 1000 Genomes Project 0.00020; 1000 Genomes Project 30x 0.00031; gnomAD exomes 0.00034 and 0.00039; gnomAD 0.00038 and 0.00039; ExAC 0.00041.
gnomAD v4.1: 550 of 1,613,962 alleles (0.034%); highest among the groups gnomAD compares: Non-Finnish European, 0.027%; 1 homozygote.

Submissions (5):

Labcorp Genetics (formerly Invitae), Labcorp
Classification: Likely benign. Last evaluated: 2025-12-20. Review status: criteria provided, single submitter. Criteria: Invitae Variant Classification Sherloc (09022015). Collection method: clinical testing. Allele origin: germline.

GeneDx
Classification: Uncertain significance. Last evaluated: 2025-10-31. Review status: criteria provided, single submitter. Criteria: GeneDx Variant Classification Process June 2021. Collection method: clinical testing. Allele origin: germline.
Comment: Reported in a patient with primary ovarian insufficiency in published literature; however, this patient harbored additional variants in different genes that may explain the phenotype (PMID: 34803902); In silico analysis supports that this missense variant has a deleterious effect on protein structure/function; This variant is associated with the following publications: (PMID: 35052486, 34803902)

PreventionGenetics, part of Exact Sciences
Classification: Likely benign for LRP5-related condition. Last evaluated: 2024-10-03. Review status: criteria provided, single submitter. Criteria: ACMG Guidelines, 2015. Collection method: clinical testing. Allele origin: germline.
Comment: This variant is classified as likely benign based on ACMG/AMP sequence variant interpretation guidelines (Richards et al. 2015 PMID: 25741868, with internal and published modifications).

Women's Health and Genetics/Laboratory Corporation of America, LabCorp
Classification: Benign. Last evaluated: 2023-04-14. Review status: criteria provided, single submitter. Criteria: LabCorp Variant Classification Summary - May 2015. Collection method: clinical testing. Allele origin: germline.
Comment: Variant summary: LRP5 c.4511C>T (p.Pro1504Leu) results in a non-conservative amino acid change in the encoded protein sequence. Four of five in-silico tools predict a damaging effect of the variant on protein function. The variant allele was found at a frequency of 0.00039 in 251326 control chromosomes in the gnomAD database, including 1 homozygote. The observed variant frequency is approximately 6 fold of the estimated maximal expected allele frequency for a pathogenic variant in LRP5 causing Familial Exudative Vitreoretinopathy phenotype (6.3e-05), strongly suggesting that the variant is benign. To our knowledge, no occurrence of c.4511C>T in individuals affected with Familial Exudative Vitreoretinopathy and no experimental evidence demonstrating its impact on protein function have been reported. Two ClinVar submitters have assessed the variant since 2014: one classified the variant as uncertain significance and one as likely benign. Based on the evidence outlined above, the variant was classified as benign.

Breakthrough Genomics
Classification: Likely benign. Review status: criteria provided, single submitter. Criteria: ACMG Guidelines, 2015. Collection method: not provided. Allele origin: germline. Inheritance: Autosomal recessive inheritance. Affected: yes.